The following is an entry in ClinVar:

NM_002074.5(GNB1):c.458A>G (p.Asp153Gly)

Gene: GNB1 (G protein subunit beta 1; minus strand). Cytogenetic location: 1p36.33.
Variant type: single nucleotide variant.
Coding change: c.458A>G on transcript NM_002074.5 (MANE Select); coding-DNA position 458, A replaced by G.
Protein change: p.Asp153Gly; replaces aspartic acid 153 with glycine.
Molecular consequence: missense variant.
Genome position (GRCh38, 1-based): chr1:1,793,284, T>C on the plus strand (A>G on the coding strand, the complement: GNB1 is on the minus strand). VCF-style: chr1-1793284-T-C. GRCh37 (hg19) VCF-style: chr1-1724723-T-C.
Other names: c.158A>G, p.Asp53Gly (NM_001282538.2); c.458A>G, p.Asp153Gly (NM_001282539.2); short protein forms D153G, D53G.
Identifiers: ClinVar variation 1711202 (VCV001711202.30), dbSNP rs2522381461, ClinGen allele CA337908496.

ClinVar aggregate classification (germline): Uncertain significance (1 of 4 stars; one submission).

Submission:

CeGaT Center for Human Genetics Tuebingen
Classification: Uncertain significance. Last evaluated: 2022-08-01. Review status: criteria provided, single submitter. Criteria: CeGaT Center For Human Genetics Tuebingen Variant Classification Criteria Version 2. Collection method: clinical testing. Allele origin: germline. Affected: yes. Observed: 1 variant allele.
Comment: GNB1: PM2, PP2